The following is an entry in ClinVar:

NM_017866.6(TMEM70):c.77C>T (p.Ala26Val)

Gene: TMEM70 (transmembrane protein 70; plus strand). Cytogenetic location: 8q21.11.
Variant type: single nucleotide variant.
Coding change: c.77C>T on transcript NM_017866.6 (MANE Select); coding-DNA position 77, C replaced by T.
Protein change: p.Ala26Val; replaces alanine 26 with valine.
Molecular consequence: missense variant. On other transcripts: non-coding transcript variant (1).
Genome position (GRCh38, 1-based): chr8:73,976,358, C>T. VCF-style: chr8-73976358-C-T. GRCh37 (hg19) VCF-style: chr8-74888593-C-T.
Other names: c.77C>T, p.Ala26Val (NM_001040613.3); short protein forms A26V.
Identifiers: ClinVar variation 855087 (VCV000855087.7), dbSNP rs757460663, ClinGen allele CA4783943.

ClinVar aggregate classification (germline): Uncertain significance (1 of 4 stars; one submission).

Conditions:
Mitochondrial complex V (ATP synthase) deficiency, nuclear type 2. Also called: Nuclear-Encoded ATPase Deficiency, TMEM70-Related; ENCEPHALOCARDIOMYOPATHY, MITOCHONDRIAL, NEONATAL, DUE TO ATP SYNTHASE DEFICIENCY; MITOCHONDRIAL COMPLEX V (ATP SYNTHASE) DEFICIENCY, TMEM70 TYPE. Identifiers: Orphanet 1194, MedGen C3279699, MONDO:0013546, OMIM 614052.

Allele frequency attached by ClinVar (database versions not stated): ExAC below 0.00001; gnomAD exomes below 0.00001.
gnomAD v4.1: 3 of 1,598,742 alleles (0.00019%); highest among the groups gnomAD compares: East Asian, 0.0045%; no homozygotes.

Submission:

Labcorp Genetics (formerly Invitae), Labcorp
Classification: Uncertain significance for Mitochondrial complex V (ATP synthase) deficiency, nuclear type 2. Last evaluated: 2022-10-13. Review status: criteria provided, single submitter. Criteria: Invitae Variant Classification Sherloc (09022015). Collection method: clinical testing. Allele origin: germline.
Comment: In summary, the available evidence is currently insufficient to determine the role of this variant in disease. Therefore, it has been classified as a Variant of Uncertain Significance. Algorithms developed to predict the effect of missense changes on protein structure and function (SIFT, PolyPhen-2, Align-GVGD) all suggest that this variant is likely to be tolerated. ClinVar contains an entry for this variant (Variation ID: 855087). This variant has not been reported in the literature in individuals affected with TMEM70-related conditions. This variant is not present in population databases (gnomAD no frequency). This sequence change replaces alanine, which is neutral and non-polar, with valine, which is neutral and non-polar, at codon 26 of the TMEM70 protein (p.Ala26Val).